The following is an entry in ClinVar:

NM_000324.3(RHAG):c.1107C>T (p.Ile369=)

Gene: RHAG (Rh associated glycoprotein; minus strand). Cytogenetic location: 6p12.3.
Variant type: single nucleotide variant.
Coding change: c.1107C>T on transcript NM_000324.3 (MANE Select); coding-DNA position 1107, C replaced by T.
Protein change: p.Ile369=; no amino-acid change (isoleucine 369 retained).
Molecular consequence: synonymous variant.
Genome position (GRCh38, 1-based): chr6:49,607,181, G>A on the plus strand (C>T on the coding strand, the complement: RHAG is on the minus strand). VCF-style: chr6-49607181-G-A. GRCh37 (hg19) VCF-style: chr6-49574894-G-A.
Other names: p.Ile369=.
Identifiers: ClinVar variation 2712934 (VCV002712934.4), dbSNP rs141568382, ClinGen allele CA3847725.

ClinVar aggregate classification (germline): Benign/Likely benign. Review status: criteria provided, multiple submitters, no conflicts (2 of 4 stars). 2 submissions from 2 submitters: Benign (1); Likely benign (1). Last evaluated 2025-09-23.

Allele frequency attached by ClinVar (database versions not stated): ExAC 0.00042; 1000 Genomes Project 30x 0.00094; gnomAD 0.00109; 1000 Genomes Project 0.00120; ESP Exome Variant Server 0.00185.
gnomAD v4.1: 333 of 1,613,634 alleles (0.021%); highest among the groups gnomAD compares: African/African-American, 0.39%; 1 homozygote.

Submissions (2):

Labcorp Genetics (formerly Invitae), Labcorp
Classification: Benign. Last evaluated: 2025-09-23. Review status: criteria provided, single submitter. Criteria: Invitae Variant Classification Sherloc (09022015). Collection method: clinical testing. Allele origin: germline.

Mayo Clinic Laboratories, Mayo Clinic
Classification: Likely benign. Last evaluated: 2025-09-18. Review status: criteria provided, single submitter. Criteria: ACMG Guidelines, 2015. Collection method: clinical testing. Allele origin: germline. Observed: 1 variant allele.
Comment: BP4, BP7